The following is an entry in ClinVar:

NM_001164508.2(NEB):c.6183+1G>T

Gene: NEB (nebulin; minus strand). Cytogenetic location: 2q23.3.
Variant type: single nucleotide variant.
Coding change: c.6183+1G>T on transcript NM_001164508.2 (MANE Select); the canonical splice donor site of the intron after coding-DNA position 6183, G replaced by T.
Molecular consequence: splice donor variant.
Genome position (GRCh38, 1-based): chr2:151,657,982, C>A on the plus strand (G>T on the coding strand, the complement: NEB is on the minus strand). VCF-style: chr2-151657982-C-A. GRCh37 (hg19) VCF-style: chr2-152514496-C-A.
Other names: c.6183+1G>T (NM_004543.5, NM_001164507.2, NM_001271208.2).
Identifiers: ClinVar variation 2007560 (VCV002007560.4), dbSNP rs557870969, ClinGen allele CA348801720.

ClinVar aggregate classification (germline): Likely pathogenic (1 of 4 stars; one submission).

Conditions:
Nemaline myopathy 2 (NEM2). Also called: Nemaline myopathy 2, autosomal recessive. Identifiers: MedGen C1850569, MONDO:0009725, OMIM 256030.

Submission:

Labcorp Genetics (formerly Invitae), Labcorp
Classification: Likely pathogenic for Nemaline myopathy 2. Last evaluated: 2022-06-17. Review status: criteria provided, single submitter. Criteria: Invitae Variant Classification Sherloc (09022015). Collection method: clinical testing. Allele origin: germline.
Comment: In summary, the currently available evidence indicates that the variant is pathogenic, but additional data are needed to prove that conclusively. Therefore, this variant has been classified as Likely Pathogenic. Algorithms developed to predict the effect of sequence changes on RNA splicing suggest that this variant may disrupt the consensus splice site. This variant has not been reported in the literature in individuals affected with NEB-related conditions. This variant is not present in population databases (gnomAD no frequency). This sequence change affects a donor splice site in intron 48 of the NEB gene. It is expected to disrupt RNA splicing. Variants that disrupt the donor or acceptor splice site typically lead to a loss of protein function (PMID: 16199547), and loss-of-function variants in NEB are known to be pathogenic (PMID: 25205138).

Literature cited by the submitters: PubMed 16199547; PubMed 25205138.